The following is an entry in ClinVar:

NM_020719.3(PRR12):c.4891-21_4891-11delinsCACTGGGGAAATACGC

Gene: PRR12 (proline rich 12; plus strand). Cytogenetic location: 19q13.33.
Variant type: Indel.
Coding change: c.4891-21_4891-11delinsCACTGGGGAAATACGC on transcript NM_020719.3 (MANE Select); 21 bases into the intron before coding-DNA position 4891 through 11 bases into the intron before coding-DNA position 4891, TGTGCCTCTTT replaced by CACTGGGGAAATACGC.
Molecular consequence: intron variant.
Genome position (GRCh38, 1-based): chr19:49,614,855-49,614,865, TGTGCCTCTTT replaced by CACTGGGGAAATACGC. VCF-style: chr19-49614855-TGTGCCTCTTT-CACTGGGGAAATACGC. GRCh37 (hg19) VCF-style: chr19-50118112-TGTGCCTCTTT-CACTGGGGAAATACGC.
Identifiers: ClinVar variation 4819175 (VCV004819175.1).
Genomic context (GRCh38, chr19:49,614,855, plus strand): 5'-TGGTGGCCCAGGGCACGGGGGTGTTGGCCATCTGGCTGGGCAGTGTGAAGAATTTCCTCA[TGTGCCTCTTT>CACTGGGGAAATACGC]CTCCCCATAGTATTTGGGGTATTTTGGGGATGCAAAAAATCGGTACCAGCGCCTCTATGT-3'

ClinVar aggregate classification (germline): Uncertain significance (1 of 4 stars; one submission).

Conditions:
Neuroocular syndrome 1 (NOC1). Identifiers: Orphanet 659904, MedGen C5925133, MONDO:0971007, OMIM 619539.

Submission:

Institute of Human Genetics, University of Leipzig Medical Center
Classification: Uncertain significance for Neuroocular syndrome 1. Last evaluated: 2026-02-26. Review status: criteria provided, single submitter. Criteria: ACMG Guidelines, 2015. Collection method: clinical testing. Allele origin: de novo. Inheritance: Autosomal dominant inheritance. Affected: yes.
Comment: Criteria applied: PM2_MOD,PP3,PS2